The following is an entry in ClinVar:

ClinVar aggregate classification (germline): Uncertain significance (1 of 4 stars; one submission).

Submission:

Women's Health and Genetics/Laboratory Corporation of America, LabCorp
Classification: Uncertain significance. Last evaluated: 2024-04-29. Review status: criteria provided, single submitter. Criteria: LabCorp Variant Classification Summary - May 2015. Collection method: clinical testing. Allele origin: germline.
Comment: Variant summary: TTN c.64185G>C (p.Lys21395Asn) results in a non-conservative amino acid change located in the A-band of the encoded protein sequence. Three of four in-silico tools predict a damaging effect of the variant on protein function. The variant was absent in 247754 control chromosomes. The available data on variant occurrences in the general population are insufficient to allow any conclusion about variant significance. To our knowledge, no occurrence of c.64185G>C in individuals affected with Limb-Girdle Muscular Dystrophy, Type 2J and no experimental evidence demonstrating its impact on protein function have been reported. No submitters have cited clinical-significance assessments for this variant to ClinVar. Based on the evidence outlined above, the variant was classified as uncertain significance.

NM_001267550.2(TTN):c.71889G>C (p.Lys23963Asn)

Genes: TTN (titin; minus strand), TTN-AS1 (TTN antisense RNA 1; plus strand). Cytogenetic location: 2q31.2.
Variant type: single nucleotide variant.
Coding change: c.71889G>C on transcript NM_001267550.2 (MANE Select); coding-DNA position 71889, G replaced by C.
Protein change: p.Lys23963Asn; replaces lysine 23963 with asparagine.
Molecular consequence: missense variant.
Genome position (GRCh38, 1-based): chr2:178,574,243, C>G on the plus strand (G>C on the coding strand, the complement: TTN is on the minus strand). VCF-style: chr2-178574243-C-G. GRCh37 (hg19) VCF-style: chr2-179438970-C-G.
Other names: c.66966G>C, p.Lys22322Asn (NM_001256850.1); c.44694G>C, p.Lys14898Asn (NM_003319.4); c.64185G>C, p.Lys21395Asn (NM_133378.4); c.45069G>C, p.Lys15023Asn (NM_133432.3); c.45270G>C, p.Lys15090Asn (NM_133437.4); short protein forms K14898N, K15023N, K15090N, K21395N, K22322N, K23963N.
Identifiers: ClinVar variation 3251443 (VCV003251443.1), dbSNP rs1475718239.
Genomic context (GRCh38, chr2:178,574,243, plus strand): 5'-TTCATTCTCCAAAATGTTGCTGAAGTTGGCCTTCAGCCACCGTCCATTAGGAAGGTCTCT[C>G]TTTTCAACGATATAACTGGTAATTTTAAAGCCCCCAGTATATTCAGGCTTAGCCCATTTA-3'
Protein context (NP_001254479.2, residues 23953-23973): GFKITSYIVE[Lys23963Asn]RDLPNGRWLK